The following is an entry in ClinVar:

ClinVar aggregate classification (germline): Uncertain significance (1 of 4 stars; one submission).

Conditions:
Hypertrophic cardiomyopathy. Also called: HYPERTROPHIC MYOCARDIOPATHY. Identifiers: Orphanet 217569, MedGen C0007194, MeSH D002312, MONDO:0005045, HP:0001639.

Allele frequency attached by ClinVar (database versions not stated): gnomAD 0.00001; TOPMed 0.00002.
gnomAD v4.1: 4 of 1,608,390 alleles (0.00025%); highest among the groups gnomAD compares: African/African-American, 0.0027%; no homozygotes.

Submission:

Labcorp Genetics (formerly Invitae), Labcorp
Classification: Uncertain significance for Hypertrophic cardiomyopathy. Last evaluated: 2022-09-01. Review status: criteria provided, single submitter. Criteria: Invitae Variant Classification Sherloc (09022015). Collection method: clinical testing. Allele origin: germline.
Comment: In summary, the available evidence is currently insufficient to determine the role of this variant in disease. Therefore, it has been classified as a Variant of Uncertain Significance. Algorithms developed to predict the effect of missense changes on protein structure and function are either unavailable or do not agree on the potential impact of this missense change (SIFT: "Tolerated"; PolyPhen-2: "Probably Damaging"; Align-GVGD: "Class C0"). ClinVar contains an entry for this variant (Variation ID: 569461). This variant has not been reported in the literature in individuals affected with JPH2-related conditions. This variant is not present in population databases (gnomAD no frequency). This sequence change replaces glycine, which is neutral and non-polar, with serine, which is neutral and polar, at codon 136 of the JPH2 protein (p.Gly136Ser).

NM_020433.5(JPH2):c.406G>A (p.Gly136Ser)

Gene: JPH2 (junctophilin 2; minus strand). Cytogenetic location: 20q13.12.
Variant type: single nucleotide variant.
Coding change: c.406G>A on transcript NM_020433.5 (MANE Select); coding-DNA position 406, G replaced by A.
Protein change: p.Gly136Ser; replaces glycine 136 with serine.
Molecular consequence: missense variant.
Genome position (GRCh38, 1-based): chr20:44,160,381, C>T on the plus strand (G>A on the coding strand, the complement: JPH2 is on the minus strand). VCF-style: chr20-44160381-C-T. GRCh37 (hg19) VCF-style: chr20-42789021-C-T.
Other names: short protein forms G136S.
Identifiers: ClinVar variation 569461 (VCV000569461.8), dbSNP rs767281714, ClinGen allele CA409094449.